The following is an entry in ClinVar:

ClinVar aggregate classification (germline): Likely benign. Review status: criteria provided, multiple submitters, no conflicts (2 of 4 stars). 2 submissions from 2 submitters: Likely benign (2). Last evaluated 2024-10-24.

Allele frequency attached by ClinVar (database versions not stated): gnomAD exomes 0.00002; gnomAD 0.00003; ExAC 0.00004; 1000 Genomes Project 30x 0.00047.
gnomAD v4.1: 30 of 1,613,888 alleles (0.0019%); highest among the groups gnomAD compares: Admixed American, 0.01%; no homozygotes.

Submissions (2):

Blueprint Genetics
Classification: Likely benign. Last evaluated: 2024-10-24. Review status: criteria provided, single submitter. Criteria: ACMG Guidelines, 2015. Collection method: clinical testing. Allele origin: germline.

CeGaT Center for Human Genetics Tuebingen
Classification: Likely benign. Last evaluated: 2024-06-01. Review status: criteria provided, single submitter. Criteria: CeGaT Center For Human Genetics Tuebingen Variant Classification Criteria Version 2. Collection method: clinical testing. Allele origin: germline. Affected: yes. Observed: 3 variant alleles.
Comment: NOTCH2: BP4, BP7

NM_024408.4(NOTCH2):c.684A>G (p.Ser228=)

Gene: NOTCH2 (notch receptor 2; minus strand). Cytogenetic location: 1p12.
Variant type: single nucleotide variant.
Coding change: c.684A>G on transcript NM_024408.4 (MANE Select); coding-DNA position 684, A replaced by G.
Protein change: p.Ser228=; no amino-acid change (serine 228 retained).
Molecular consequence: synonymous variant.
Genome position (GRCh38, 1-based): chr1:119,997,064, T>C on the plus strand (A>G on the coding strand, the complement: NOTCH2 is on the minus strand). VCF-style: chr1-119997064-T-C. GRCh37 (hg19) VCF-style: chr1-120539687-T-C.
Other names: c.684A>G, p.Ser228= (NM_001200001.2).
Identifiers: ClinVar variation 2639052 (VCV002639052.25), dbSNP rs2261101, ClinGen allele CA1040789.